The following is an entry in ClinVar:

NM_005902.4(SMAD3):c.29dup (p.Ile11fs)

Genes: SMAD3 (SMAD family member 3; plus strand), LOC130057352 (ATAC-STARR-seq lymphoblastoid silent region 6574; plus strand). Cytogenetic location: 15q22.33.
Variant type: Duplication.
Coding change: c.29dup on transcript NM_005902.4 (MANE Select); coding-DNA position 29, one base duplicated (C; older notation c.29dupC).
Protein change: p.Ile11fs; shifts the reading frame from isoleucine 11.
Molecular consequence: frameshift variant.
Genome position (GRCh38, 1-based): chr15:67,066,183, C duplicated; the last of 5 consecutive C bases (chr15:67,066,179-67,066,183); duplicating any one gives the same sequence. VCF-style (leftmost placement, unchanged base first): chr15-67066178-T-TC. GRCh37 (hg19) VCF-style: chr15-67358516-T-TC.
Other names: c.29dup, p.Ile11Aspfs (NM_001407011.1, NM_001407012.1, NM_001407013.1); c.29dupC (NM_005902.4); short protein forms I11fs.
Identifiers: ClinVar variation 1798636 (VCV001798636.3), dbSNP rs1959910723, ClinGen allele CA2580089877.
Genomic context (GRCh38, chr15:67,066,178, plus strand): 5'-GGGGGCGCTCCTCGCCGCCCGCGCGCCCTCCCCAGCCATGTCGTCCATCCTGCCTTTCAC[T>TC]CCCCCGATCGTGAAGCGCCTGCTGGGCTGGAAGAAGGGCGAGCAGAACGGGCAGGAGGAG-3'

ClinVar aggregate classification (germline): Pathogenic. Review status: criteria provided, multiple submitters, no conflicts (2 of 4 stars). 2 submissions from 2 submitters: Pathogenic (2). Last evaluated 2026-03-03.

Conditions:
Familial aortopathy. Identifiers: MedGen CN078214.
Familial thoracic aortic aneurysm and aortic dissection (TAAD). Also called: Thoracic aortic aneurysms and dissections. Identifiers: Orphanet 91387, MedGen C4707243, MONDO:0019625.

Submissions (2):

Women's Health and Genetics/Laboratory Corporation of America, LabCorp
Classification: Pathogenic for Familial aortopathy. Last evaluated: 2026-03-03. Review status: criteria provided, single submitter. Criteria: LabCorp Variant Classification Summary - May 2015. Collection method: clinical testing. Allele origin: germline.
Comment: Variant summary: SMAD3 c.29dupC (p.Ile11AspfsX100) results in a premature termination codon, predicted to cause a truncation of the encoded protein or absence of the protein due to nonsense mediated decay, which are commonly known mechanisms for disease. The variant was absent in 239250 control chromosomes. To our knowledge, no occurrence of c.29dupC in individuals affected with SMAD3-related conditions and no experimental evidence demonstrating its impact on protein function have been reported. ClinVar contains an entry for this variant (Variation ID: 1798636). Based on the evidence outlined above, the variant was classified as pathogenic.

Ambry Genetics
Classification: Pathogenic for Familial thoracic aortic aneurysm and aortic dissection. Last evaluated: 2022-05-02. Review status: criteria provided, single submitter. Criteria: Ambry Variant Classification Scheme 2023. Collection method: clinical testing. Allele origin: germline.
Comment: The c.29dupC pathogenic mutation, located in coding exon 1 of the SMAD3 gene, results from a duplication of C at nucleotide position 29, causing a translational frameshift with a predicted alternate stop codon (p.I11Dfs*100). This variant is considered to be rare based on population cohorts in the Genome Aggregation Database (gnomAD). This alteration is expected to result in loss of function by premature protein truncation or nonsense-mediated mRNA decay. As such, this alteration is interpreted as a disease-causing mutation.